The following is an entry in ClinVar:

ClinVar aggregate classification (germline): Pathogenic (1 of 4 stars; one submission).

Conditions:
Familial adenomatous polyposis 1 (FAP1). Also called: FAMILIAL ADENOMATOUS POLYPOSIS 1, ATTENUATED; POLYPOSIS, ADENOMATOUS INTESTINAL. Identifiers: MedGen C2713442, MONDO:0021056, OMIM 175100. Disease mechanism: loss of function.

Submission:

Myriad Genetics, Inc.
Classification: Pathogenic for Familial adenomatous polyposis 1. Last evaluated: 2023-05-03. Review status: criteria provided, single submitter. Criteria: Myriad Autosomal Dominant, Autosomal Recessive and X-Linked Classification Criteria (2023). Collection method: clinical testing. Allele origin: unknown.
Comment: This variant is considered pathogenic. This variant creates a frameshift predicted to result in premature protein truncation.

NM_000038.6(APC):c.1850_1853del (p.Val617fs)

Gene: APC (APC regulator of Wnt signaling pathway; plus strand). Cytogenetic location: 5q22.2.
Variant type: Microsatellite.
Coding change: c.1850_1853del on transcript NM_000038.6 (MANE Select); coding-DNA positions 1850 to 1853, 4 bases deleted (TTGG; older notation c.1850_1853delTTGG).
Protein change: p.Val617fs; shifts the reading frame from valine 617.
Molecular consequence: frameshift variant. On other transcripts: non-coding transcript variant (2).
Genome position (GRCh38, 1-based): chr5:112,835,057-112,835,060, TTGG deleted; deleting any 4 consecutive bases within chr5:112,835,053-112,835,060 gives the same sequence; the c. name uses the placement nearest the transcript's 3' end. VCF-style (leftmost placement, unchanged base first): chr5-112835052-TTTGG-T. GRCh37 (hg19) VCF-style: chr5-112170749-TTTGG-T.
Other names: c.1601_1604del, p.Val534fs (NM_001407454.1, NM_001407455.1, NM_001407457.1 and 1 more transcripts); c.1547_1550del, p.Val516fs (NM_001407458.1, NM_001407459.1, NM_001407460.1 and 1 more transcripts); c.1463_1466del, p.Val488fs (NM_001407467.1, NM_001407469.1); c.1850_1853del, p.Val617fs (NM_001127510.3, NM_001354895.2, NM_001407450.1); c.1796_1799del, p.Val599fs (NM_001127511.3); c.1904_1907del, p.Val635fs (NM_001354896.2, NM_001407447.1, NM_001407448.1 and 1 more transcripts); c.1880_1883del, p.Val627fs (NM_001354897.2); c.1775_1778del, p.Val592fs (NM_001354898.2); and 11 more; short protein forms V233fs, V334fs, V457fs, V488fs, V491fs, V516fs, V526fs, V534fs.
Identifiers: ClinVar variation 2583870 (VCV002583870.2), dbSNP rs2533337442, ClinGen allele CA1139770786.
Genomic context (GRCh38, chr5:112,835,052, plus strand): 5'-GTCAGCACATTGCACTGAGAATAAAGCTGATATATGTGCTGTAGATGGTGCACTTGCATT[TTTGG>T]TTGGCACTCTTACTTACCGGAGCCAGACAAACACTTTAGCCATTATTGAAAGTGGAGGTG-3'